The following is an entry in ClinVar:

ClinVar aggregate classification (germline): Uncertain significance (1 of 4 stars; one submission).

Conditions:
Adams-Oliver syndrome 2 (AOS2). Identifiers: Orphanet 974, MedGen C3280182, MONDO:0013635, OMIM 614219.

Submission:

Genomic Medicine Center of Excellence, King Faisal Specialist Hospital and Research Centre
Classification: Uncertain significance for Adams-Oliver syndrome 2. Last evaluated: 2024-10-13. Review status: criteria provided, single submitter. Criteria: ACMG Guidelines, 2015. Collection method: clinical testing. Allele origin: germline.
Comment: This variant (GRCh38; NM_020812.4:c.539A>C:p.Glu180Ala) results in a missense mutation with the conversion of Glutamate (Acidic amino acid) to Alanine (Nonpolar amino acid) in the DOCK6 protein. Not observed at significant frequency in large population cohorts (gnomAD). This variant has a strong Conservation score. Multiple lines of computational evidence of this variant suggest no impact on gene or gene product. A literature search was performed for the gene and associated variants. Based on this search no publications were found. Based on conflicting evidence or insufficient data to determine whether the variant is benign or pathogenic, the clinical significance of this alteration remains unclear. In summary, this variant meets our criteria for classification as of Unknown Clinical Significance based on the evidence outlined.

NM_020812.4(DOCK6):c.539A>C (p.Glu180Ala)

Gene: DOCK6 (dedicator of cytokinesis 6; minus strand). Cytogenetic location: 19p13.2.
Variant type: single nucleotide variant.
Coding change: c.539A>C on transcript NM_020812.4 (MANE Select); coding-DNA position 539, A replaced by C.
Protein change: p.Glu180Ala; replaces glutamic acid 180 with alanine.
Molecular consequence: missense variant.
Genome position (GRCh38, 1-based): chr19:11,251,055, T>G on the plus strand (A>C on the coding strand, the complement: DOCK6 is on the minus strand). VCF-style: chr19-11251055-T-G. GRCh37 (hg19) VCF-style: chr19-11361731-T-G.
Other names: c.539A>C, p.Glu180Ala (NM_001367830.1); short protein forms E180A.
Identifiers: ClinVar variation 3363132 (VCV003363132.1).